The following is an entry in ClinVar:

NM_016648.4(LARP7):c.12_13del (p.Ser5fs)

Gene: LARP7 (La ribonucleoprotein 7, transcriptional regulator; plus strand). Cytogenetic location: 4q25.
Variant type: Deletion.
Coding change: c.12_13del on transcript NM_016648.4 (MANE Select); coding-DNA positions 12 to 13, 2 bases deleted (AA; older notation c.12_13delAA).
Protein change: p.Ser5fs; shifts the reading frame from serine 5.
Molecular consequence: frameshift variant. On other transcripts: 5 prime UTR variant (2).
Genome position (GRCh38, 1-based): chr4:112,644,681-112,644,682, AA deleted; deleting any 2 consecutive bases within chr4:112,644,680-112,644,682 gives the same sequence; the c. name uses the placement nearest the transcript's 3' end. VCF-style (leftmost placement, unchanged base first): chr4-112644679-GAA-G. GRCh37 (hg19) VCF-style: chr4-113565835-GAA-G.
Other names: c.12_13del, p.Ser5fs (NM_001267039.4, NM_001370974.1, NM_001370975.1 and 6 more transcripts); c.-123_-122del (NM_001370981.1, NM_001370982.1); short protein forms S5fs.
Identifiers: ClinVar variation 4880670 (VCV004880670.2).

ClinVar aggregate classification (germline): Likely pathogenic (1 of 4 stars; one submission).

Submission:

Dasa
Classification: Likely pathogenic. Last evaluated: 2025-05-27. Review status: criteria provided, single submitter. Criteria: DASA Assertion Criteria. Collection method: clinical testing. Allele origin: germline.
Comment: NM_016648.4(LARP7):c.12_13del (p.Ser5Trpfs*13) is a frameshift variant in LARP7 predicted to alter the reading frame and introduce a premature termination codon and is predicted to result in an absent or altered protein product. Loss of function is an established disease mechanism for LARP7-associated disorders. Also, this variant is rare in population databases. Based on the currently available evidence, this variant is classified as likely pathogenic.